The following is an entry in ClinVar:

ClinVar aggregate classification (germline): Pathogenic (1 of 4 stars; one submission).

Conditions:
Primary ciliary dyskinesia 33. Also called: CILIARY DYSKINESIA, PRIMARY, 33, WITHOUT SITUS INVERSUS. Identifiers: Orphanet 244, MedGen C4225230, MONDO:0014750, OMIM 616726.

Allele frequency attached by ClinVar (database versions not stated): gnomAD 0.00001; gnomAD exomes 0.00001; TOPMed 0.00002.

Submission:

Labcorp Genetics (formerly Invitae), Labcorp
Classification: Pathogenic for Primary ciliary dyskinesia 33. Last evaluated: 2019-07-24. Review status: criteria provided, single submitter. Criteria: Invitae Variant Classification Sherloc (09022015). Collection method: clinical testing. Allele origin: germline.
Comment: For these reasons, this variant has been classified as Pathogenic. Loss-of-function variants in GAS8 are known to be pathogenic (PMID: 26387594). This variant has not been reported in the literature in individuals with GAS8-related conditions. This variant is not present in population databases (ExAC no frequency). This sequence change creates a premature translational stop signal (p.Ile240Asnfs*90) in the GAS8 gene. It is expected to result in an absent or disrupted protein product.

Literature cited by the submitters: PubMed 26387594.

NM_001481.3(DRC4):c.718dup (p.Ile240fs)

Gene: DRC4 (dynein regulatory complex subunit 4; plus strand). Cytogenetic location: 16q24.3.
Variant type: Duplication.
Coding change: c.718dup on transcript NM_001481.3 (MANE Select); coding-DNA position 718, one base duplicated (A; older notation c.718dupA).
Protein change: p.Ile240fs; shifts the reading frame from isoleucine 240.
Molecular consequence: frameshift variant.
Genome position (GRCh38, 1-based): chr16:90,036,548, A duplicated. VCF-style (leftmost placement, unchanged base first): chr16-90036547-C-CA. GRCh37 (hg19) VCF-style: chr16-90102955-C-CA.
Other names: c.469dup, p.Ile157fs (NM_001286205.2); c.142dup, p.Ile48fs (NM_001286208.2); c.643dup, p.Ile215fs (NM_001286209.2); short protein forms I157fs, I215fs, I240fs, I48fs.
Identifiers: ClinVar variation 955888 (VCV000955888.7), dbSNP rs1174065588, ClinGen allele CA624275235.